The following is an entry in ClinVar:

NM_003001.5(SDHC):c.82G>T (p.Val28Phe)

Gene: SDHC (succinate dehydrogenase complex subunit C; plus strand). Cytogenetic location: 1q23.3.
Variant type: single nucleotide variant.
Coding change: c.82G>T on transcript NM_003001.5 (MANE Select); coding-DNA position 82, G replaced by T.
Protein change: p.Val28Phe; replaces valine 28 with phenylalanine.
Molecular consequence: missense variant. On other transcripts: 5 prime UTR variant (2), non-coding transcript variant (1), intron variant (4).
Genome position (GRCh38, 1-based): chr1:161,328,400, G>T. VCF-style: chr1-161328400-G-T. GRCh37 (hg19) VCF-style: chr1-161298190-G-T.
Other names: c.82G>T, p.Val28Phe (NM_001035511.3, NM_001407115.1); c.25G>T, p.Val9Phe (NM_001407116.1, NM_001407117.1, NM_001407121.1); c.-30G>T (NM_001407119.1, NM_001407120.1); c.77+4730G>T (NM_001035512.3, NM_001278172.3, NM_001407118.1); c.21-12194G>T (NM_001035513.3); short protein forms V28F, V9F.
Identifiers: ClinVar variation 583030 (VCV000583030.14), dbSNP rs754818119, ClinGen allele CA048634.

ClinVar aggregate classification (germline): Uncertain significance. Review status: criteria provided, multiple submitters, no conflicts (2 of 4 stars). 4 submissions from 4 submitters: Uncertain significance (4). Last evaluated 2025-01-29.

Conditions:
Carney-Stratakis syndrome. Also called: PARAGANGLIOMA AND GASTROINTESTINAL STROMAL TUMOR. Identifiers: Orphanet 97286, MedGen C1847319, MONDO:0011740, OMIM 606864.
Gastrointestinal stromal tumor. Also called: Gastrointestinal stromal tumor, somatic; Gastrointestinal stroma tumor. Identifiers: Orphanet 44890, MedGen C0238198, MeSH D046152, MONDO:0011719, OMIM 606764, HP:0100723.
Pheochromocytoma/paraganglioma syndrome 3. Also called: SDHC-Related Hereditary Paraganglioma-Pheochromocytoma Syndrome (Paragangliomas 3); SDHC-Related Hereditary Paraganglioma-Pheochromocytoma Syndrome; Paragangliomas 3; GLOMUS TUMORS, FAMILIAL, 3. Identifiers: Orphanet 29072, MedGen C1854336, MONDO:0011544, OMIM 605373.
Hereditary cancer-predisposing syndrome. Also called: Hereditary Cancer Syndrome; Tumor predisposition; Neoplastic Syndromes, Hereditary; Hereditary neoplastic syndrome. Identifiers: Orphanet 140162, MedGen C0027672, MeSH D009386, MONDO:0015356.

Allele frequency attached by ClinVar (database versions not stated): gnomAD exomes below 0.00001; ExAC 0.00001; gnomAD 0.00001.
gnomAD v4.1: 8 of 1,609,946 alleles (0.0005%); highest among the groups gnomAD compares: Non-Finnish European, 0.000085%; no homozygotes.

Submissions (4):

Labcorp Genetics (formerly Invitae), Labcorp
Classification: Uncertain significance for Pheochromocytoma/paraganglioma syndrome 3; Gastrointestinal stromal tumor. Last evaluated: 2025-01-29. Review status: criteria provided, single submitter. Criteria: Invitae Variant Classification Sherloc (09022015). Collection method: clinical testing. Allele origin: germline.
Comment: This sequence change replaces valine, which is neutral and non-polar, with phenylalanine, which is neutral and non-polar, at codon 28 of the SDHC protein (p.Val28Phe). This variant is present in population databases (rs754818119, gnomAD 0.0009%). This variant has not been reported in the literature in individuals affected with SDHC-related conditions. ClinVar contains an entry for this variant (Variation ID: 583030). An algorithm developed to predict the effect of missense changes on protein structure and function (PolyPhen-2) suggests that this variant is likely to be disruptive. In summary, the available evidence is currently insufficient to determine the role of this variant in disease. Therefore, it has been classified as a Variant of Uncertain Significance.

Ambry Genetics
Classification: Uncertain significance for Hereditary cancer-predisposing syndrome. Last evaluated: 2023-07-07. Review status: criteria provided, single submitter. Criteria: Ambry Variant Classification Scheme 2023. Collection method: clinical testing. Allele origin: germline.
Comment: The p.V28F variant (also known as c.82G>T), located in coding exon 3 of the SDHC gene, results from a G to T substitution at nucleotide position 82. The valine at codon 28 is replaced by phenylalanine, an amino acid with highly similar properties. This amino acid position is not well conserved in available vertebrate species. In addition, the in silico prediction for this alteration is inconclusive. Since supporting evidence is limited at this time, the clinical significance of this alteration remains unclear.

Fulgent Genetics
Classification: Uncertain significance for Pheochromocytoma/paraganglioma syndrome 3; Gastrointestinal stromal tumor; Carney-Stratakis syndrome. Last evaluated: 2022-04-15. Review status: criteria provided, single submitter. Criteria: ACMG Guidelines, 2015. Collection method: clinical testing. Allele origin: unknown.

Human Genome Sequencing Center Clinical Lab, Baylor College of Medicine
Classification: Uncertain significance for Paragangliomas 3. Review status: criteria provided, single submitter. Criteria: ACMG Guidelines, 2015. Collection method: clinical testing. Allele origin: germline.